The following is an entry in ClinVar:

NM_144599.5(NIPA1):c.801G>T (p.Val267=)

Gene: NIPA1 (NIPA magnesium transporter 1; plus strand). Cytogenetic location: 15q11.2.
Variant type: single nucleotide variant.
Coding change: c.801G>T on transcript NM_144599.5 (MANE Select); coding-DNA position 801, G replaced by T.
Protein change: p.Val267=; no amino-acid change (valine 267 retained).
Molecular consequence: synonymous variant.
Genome position (GRCh38, 1-based): chr15:22,824,050, G>T. VCF-style: chr15-22824050-G-T. GRCh37 (hg19) VCF-style: chr15-23049018-C-A.
Other names: c.576G>T, p.Val192= (NM_001142275.1).
Identifiers: ClinVar variation 315422 (VCV000315422.15), dbSNP rs185222838, ClinGen allele CA7425993.

ClinVar aggregate classification (germline): Benign/Likely benign. Review status: criteria provided, multiple submitters, no conflicts (2 of 4 stars). 3 submissions from 3 submitters: Benign (2); Likely benign (1). Last evaluated 2025-04-09.

Conditions:
Hereditary spastic paraplegia 6 (SPG6). Also called: SPASTIC PARAPLEGIA 6, AUTOSOMAL DOMINANT. Identifiers: Orphanet 100988, MedGen C1838192, MONDO:0010878, OMIM 600363.

Allele frequency attached by ClinVar (database versions not stated): gnomAD 0.00020 and 0.00029; TOPMed 0.00058; 1000 Genomes Project 30x 0.00187; 1000 Genomes Project 0.00200.

Submissions (3):

Labcorp Genetics (formerly Invitae), Labcorp
Classification: Benign for Hereditary spastic paraplegia 6. Last evaluated: 2025-04-09. Review status: criteria provided, single submitter. Criteria: Invitae Variant Classification Sherloc (09022015). Collection method: clinical testing. Allele origin: germline.

Blueprint Genetics
Classification: Likely benign. Last evaluated: 2023-07-07. Review status: criteria provided, single submitter. Criteria: ACMG Guidelines, 2015. Collection method: clinical testing. Allele origin: germline.

Illumina Laboratory Services, Illumina
Classification: Benign for Hereditary spastic paraplegia 6. Last evaluated: 2018-01-13. Review status: criteria provided, single submitter. Criteria: ICSL Variant Classification Criteria 13 December 2019. Collection method: clinical testing. Allele origin: germline.
Comment: This variant was observed in the ICSL laboratory as part of a predisposition screen in an ostensibly healthy population. It had not been previously curated by ICSL or reported in the Human Gene Mutation Database (HGMD: prior to June 1st, 2018), and was therefore a candidate for classification through an automated scoring system. Utilizing variant allele frequency, disease prevalence and penetrance estimates, and inheritance mode, an automated score was calculated to assess if this variant is too frequent to cause the disease. Based on the score and internal cut-off values, a variant classified as benign is not then subjected to further curation. The score for this variant resulted in a classification of benign for this disease.